The following is an entry in ClinVar:

ClinVar aggregate classification (germline): Conflicting classifications of pathogenicity. Review status: criteria provided, conflicting classifications (1 of 4 stars). 6 submissions from 6 submitters: Uncertain significance (4); Benign (1); Likely benign (1). Last evaluated 2026-06-02.

Conditions:
Acrocallosal syndrome (ACLS). Also called: HALLUX DUPLICATION, POSTAXIAL POLYDACTYLY, AND ABSENCE OF CORPUS CALLOSUM; Schinzel syndrome 1; Absence of corpus callosum with unusual facial appearance, mental deficiency, duplication of the halluces and polydactyly. Identifiers: Orphanet 36, MedGen C0796147, MONDO:0008708, OMIM 200990.
Hydrolethalus syndrome 2 (HLS2). Identifiers: Orphanet 2189, MedGen C3279899, MONDO:0013585, OMIM 614120.
Multiple epiphyseal dysplasia, Al-Gazali type. Also called: Macrocephaly with multiple epiphyseal dysplasia and distinctive facies. Identifiers: Orphanet 166024, MedGen C1846722, MONDO:0011778, OMIM 607131.

Allele frequency attached by ClinVar (database versions not stated): gnomAD exomes 0.00011; ExAC 0.00017; gnomAD 0.00025 and 0.00011; 1000 Genomes Project 30x 0.00156; 1000 Genomes Project 0.00200; TOPMed 0.00010.
gnomAD v4.1: 769 of 1,610,628 alleles (0.048%); highest among the groups gnomAD compares: East Asian, 1.7%; 18 homozygotes.

Submissions (6):

Women's Health and Genetics/Laboratory Corporation of America, LabCorp
Classification: Uncertain significance. Last evaluated: 2026-06-02. Review status: criteria provided, single submitter. Criteria: LabCorp Variant Classification Summary - May 2015. Collection method: clinical testing. Allele origin: germline.
Comment: Variant summary: KIF7 c.2364G>C (p.Arg788Ser) results in a non-conservative amino acid change in the encoded protein sequence. Algorithms developed to predict the effect of missense changes on protein structure and function are either unavailable or do not agree on the potential impact of this missense change. The variant allele was found at a frequency of 0.00011 in 246414 control chromosomes. This frequency is not significantly higher than estimated for disease-causing variants in KIF7, allowing no conclusion about variant significance. To our knowledge, no occurrence of c.2364G>C in individuals affected with KIF7-related conditions and no experimental evidence demonstrating its impact on protein function have been reported. ClinVar contains an entry for this variant (Variation ID: 317356). Based on the evidence outlined above, the variant was classified as uncertain significance.

Labcorp Genetics (formerly Invitae), Labcorp
Classification: Uncertain significance for Acrocallosal syndrome. Last evaluated: 2024-09-06. Review status: criteria provided, single submitter. Criteria: Invitae Variant Classification Sherloc (09022015). Collection method: clinical testing. Allele origin: germline.
Comment: This sequence change replaces arginine, which is basic and polar, with serine, which is neutral and polar, at codon 788 of the KIF7 protein (p.Arg788Ser). This variant is present in population databases (rs117123311, gnomAD 0.2%). This variant has not been reported in the literature in individuals affected with KIF7-related conditions. ClinVar contains an entry for this variant (Variation ID: 317356). Invitae Evidence Modeling of protein sequence and biophysical properties (such as structural, functional, and spatial information, amino acid conservation, physicochemical variation, residue mobility, and thermodynamic stability) indicates that this missense variant is not expected to disrupt KIF7 protein function with a negative predictive value of 80%. In summary, the available evidence is currently insufficient to determine the role of this variant in disease. Therefore, it has been classified as a Variant of Uncertain Significance.

Fulgent Genetics
Classification: Likely benign for Acrocallosal syndrome; Multiple epiphyseal dysplasia, Al-Gazali type; Hydrolethalus syndrome 2. Last evaluated: 2024-02-27. Review status: criteria provided, single submitter. Criteria: ACMG Guidelines, 2015. Collection method: clinical testing. Allele origin: germline.

GeneDx
Classification: Uncertain significance. Last evaluated: 2024-02-14. Review status: criteria provided, single submitter. Criteria: GeneDx Variant Classification Process June 2021. Collection method: clinical testing. Allele origin: germline. Affected: yes.
Comment: In silico analysis supports that this missense variant does not alter protein structure/function; Has not been previously published as pathogenic or benign to our knowledge

Blueprint Genetics
Classification: Benign. Last evaluated: 2021-09-14. Review status: criteria provided, single submitter. Criteria: ACMG Guidelines, 2015. Collection method: clinical testing. Allele origin: germline.

Illumina Laboratory Services, Illumina
Classification: Uncertain significance for Acrocallosal syndrome. Last evaluated: 2018-01-13. Review status: criteria provided, single submitter. Criteria: ICSL Variant Classification Criteria 13 December 2019. Collection method: clinical testing. Allele origin: germline.

NM_198525.3(KIF7):c.2364G>C (p.Arg788Ser)

Gene: KIF7 (kinesin family member 7; minus strand). Cytogenetic location: 15q26.1.
Variant type: single nucleotide variant.
Coding change: c.2364G>C on transcript NM_198525.3 (MANE Select); coding-DNA position 2364, G replaced by C.
Protein change: p.Arg788Ser; replaces arginine 788 with serine.
Molecular consequence: missense variant.
Genome position (GRCh38, 1-based): chr15:89,642,233, C>G on the plus strand (G>C on the coding strand, the complement: KIF7 is on the minus strand). VCF-style: chr15-89642233-C-G. GRCh37 (hg19) VCF-style: chr15-90185464-C-G.
Other names: short protein forms R788S.
Identifiers: ClinVar variation 317356 (VCV000317356.13), dbSNP rs117123311, ClinGen allele CA7728219.